The following is an entry in ClinVar:

ClinVar aggregate classification (germline): Benign. Review status: criteria provided, multiple submitters, no conflicts (2 of 4 stars). 2 submissions from 2 submitters: Benign (2). Last evaluated 2026-01-27.

Conditions:
Adenosine kinase deficiency. Also called: Hypermethioninemia due to adenosine kinase deficiency; MENTAL RETARDATION, AUTOSOMAL RECESSIVE 8. Identifiers: Orphanet 289290, Orphanet 88616, MedGen C4706555, MONDO:0100255, OMIM 614300.

Allele frequency attached by ClinVar (database versions not stated): 1000 Genomes Project 30x 0.00531; 1000 Genomes Project 0.00599; TOPMed 0.01003; gnomAD exomes 0.01213; ExAC 0.01238; gnomAD 0.01278 and 0.01325; ESP Exome Variant Server 0.01293.
gnomAD v4.1: 25,172 of 1,613,450 alleles (1.6%); highest among the groups gnomAD compares: Non-Finnish European, 1.8%; 254 homozygotes.

Submissions (14):

Labcorp Genetics (formerly Invitae), Labcorp
Classification: Benign. Last evaluated: 2026-01-27. Review status: criteria provided, single submitter. Criteria: Invitae Variant Classification Sherloc (09022015). Collection method: clinical testing. Allele origin: germline.

Illumina Laboratory Services, Illumina
Classification: Benign for Adenosine kinase deficiency. Last evaluated: 2018-01-12. Review status: criteria provided, single submitter. Criteria: ICSL Variant Classification Criteria 13 December 2019. Collection method: clinical testing. Allele origin: germline.
Comment: This variant was observed in the ICSL laboratory as part of a predisposition screen in an ostensibly healthy population. It had not been previously curated by ICSL or reported in the Human Gene Mutation Database (HGMD: prior to June 1st, 2018), and was therefore a candidate for classification through an automated scoring system. Utilizing variant allele frequency, disease prevalence and penetrance estimates, and inheritance mode, an automated score was calculated to assess if this variant is too frequent to cause the disease. Based on the score and internal cut-off values, a variant classified as benign is not then subjected to further curation. The score for this variant resulted in a classification of benign for this disease.

Dr. Peter K. Rogan Lab, Western University
No classification provided (evidence only). Condition: Clear cell carcinoma of kidney. Review status: no classification provided. Collection method: in vitro. Allele origin: not applicable. Functional consequence: retained intron. Not counted in ClinVar's aggregate classification.

Dr. Peter K. Rogan Lab, Western University
No classification provided (evidence only). Condition: Clear cell carcinoma of kidney. Review status: no classification provided. Collection method: in vitro. Allele origin: not applicable. Functional consequence: retained intron. Not counted in ClinVar's aggregate classification.

Dr. Peter K. Rogan Lab, Western University
No classification provided (evidence only). Condition: Lung cancer. Review status: no classification provided. Collection method: in vitro. Allele origin: not applicable. Functional consequence: skipped exon. Not counted in ClinVar's aggregate classification.

Dr. Peter K. Rogan Lab, Western University
No classification provided (evidence only). Condition: Acute myeloid leukemia. Review status: no classification provided. Collection method: in vitro. Allele origin: not applicable. Functional consequence: retained intron. Not counted in ClinVar's aggregate classification.

Dr. Peter K. Rogan Lab, Western University
No classification provided (evidence only). Condition: Acute myeloid leukemia. Review status: no classification provided. Collection method: in vitro. Allele origin: not applicable. Functional consequence: retained intron. Not counted in ClinVar's aggregate classification.

Dr. Peter K. Rogan Lab, Western University
No classification provided (evidence only). Condition: Acute myeloid leukemia. Review status: no classification provided. Collection method: in vitro. Allele origin: not applicable. Functional consequence: retained intron. Not counted in ClinVar's aggregate classification.

Dr. Peter K. Rogan Lab, Western University
No classification provided (evidence only). Condition: Acute myeloid leukemia. Review status: no classification provided. Collection method: in vitro. Allele origin: not applicable. Functional consequence: retained intron. Not counted in ClinVar's aggregate classification.

Dr. Peter K. Rogan Lab, Western University
No classification provided (evidence only). Condition: Uterine corpus endometrial carcinoma. Review status: no classification provided. Collection method: in vitro. Allele origin: not applicable. Functional consequence: skipped exon. Not counted in ClinVar's aggregate classification.

Dr. Peter K. Rogan Lab, Western University
No classification provided (evidence only). Condition: Uterine corpus endometrial carcinoma. Review status: no classification provided. Collection method: in vitro. Allele origin: not applicable. Functional consequence: retained intron. Not counted in ClinVar's aggregate classification.

Dr. Peter K. Rogan Lab, Western University
No classification provided (evidence only). Condition: Sarcoma. Review status: no classification provided. Collection method: in vitro. Allele origin: not applicable. Functional consequence: skipped exon. Not counted in ClinVar's aggregate classification.

Dr. Peter K. Rogan Lab, Western University
No classification provided (evidence only). Condition: Thymoma. Review status: no classification provided. Collection method: in vitro. Allele origin: not applicable. Functional consequence: retained intron. Not counted in ClinVar's aggregate classification.

Dr. Peter K. Rogan Lab, Western University
No classification provided (evidence only). Condition: Ovarian serous cystadenocarcinoma. Review status: no classification provided. Collection method: in vitro. Allele origin: not applicable. Functional consequence: retained intron. Not counted in ClinVar's aggregate classification.

NM_006721.4(ADK):c.727-11T>C

Gene: ADK (adenosine kinase; plus strand). Cytogenetic location: 10q22.2.
Variant type: single nucleotide variant.
Coding change: c.727-11T>C on transcript NM_006721.4 (MANE Select); 11 bases into the intron before coding-DNA position 727, T replaced by C.
Molecular consequence: intron variant.
Genome position (GRCh38, 1-based): chr10:74,589,271, T>C. VCF-style: chr10-74589271-T-C. GRCh37 (hg19) VCF-style: chr10-76349029-T-C.
Other names: c.727-11T>C (NM_001369123.1); c.556-11T>C (NM_001202450.2); c.676-11T>C (NM_001123.4); c.505-11T>C (NM_001369124.1); c.622-11T>C (NM_001202449.2).
Identifiers: ClinVar variation 300841 (VCV000300841.14), dbSNP rs12778270, ClinGen allele CA5564039.